The following is an entry in ClinVar:

NM_033305.3(VPS13A):c.8223_8225delinsCC (p.His2742fs)

Gene: VPS13A (vacuolar protein sorting 13 homolog A; plus strand). Cytogenetic location: 9q21.2.
Variant type: Indel.
Coding change: c.8223_8225delinsCC on transcript NM_033305.3 (MANE Select); coding-DNA positions 8223 to 8225, TCA replaced by CC.
Protein change: p.His2742fs; shifts the reading frame from histidine 2742.
Molecular consequence: frameshift variant.
Genome position (GRCh38, 1-based): chr9:77,365,471-77,365,473, TCA replaced by CC. VCF-style: chr9-77365471-TCA-CC. GRCh37 (hg19) VCF-style: chr9-79980387-TCA-CC.
Other names: c.8106_8108delinsCC, p.His2703fs (NM_001018037.2); c.8223_8225delinsCC, p.His2742fs (NM_001018038.3, NM_015186.4); short protein forms H2703fs, H2742fs.
Identifiers: ClinVar variation 5013397 (VCV005013397.1).

ClinVar aggregate classification (germline): Pathogenic (1 of 4 stars; one submission).

Conditions:
VPS13A-related neurodegenerative disease. Also called: ACANTHOCYTOSIS WITH NEUROLOGIC DISORDER; LEVINE-CRITCHLEY SYNDROME; Choreoacanthocytosis; Chorea-acanthocytosis; Choreaacanthocytosis; VPS13A Disease. Identifiers: Orphanet 2388, MedGen C0393576, MONDO:0008695, OMIM 200150.

Submission:

Myriad Genetics, Inc.
Classification: Pathogenic for VPS13A-related neurodegenerative disease. Last evaluated: 2024-08-01. Review status: criteria provided, single submitter. Criteria: Myriad Autosomal Dominant, Autosomal Recessive and X-Linked Classification Criteria (2023). Collection method: clinical testing. Allele origin: unknown.
Comment: NM_033305.2(VPS13A):c.8223_8225delTCAinsCC(H2742Lfs*4) is expected to be pathogenic in the context of VPS13A disease. This variant is predicted to lead to an abnormal or absent protein product due to the creation of a premature termination codon in VPS13A, a gene where loss-of-function variants are known to be pathogenic. Please note: this variant was assessed in the context of healthy population screening.